The following is an entry in ClinVar:

NM_014989.7(RIMS1):c.3117A>T (p.Arg1039Ser)

Gene: RIMS1 (regulating synaptic membrane exocytosis 1; plus strand). Cytogenetic location: 6q13.
Variant type: single nucleotide variant.
Coding change: c.3117A>T on transcript NM_014989.7 (MANE Select); coding-DNA position 3117, A replaced by T.
Protein change: p.Arg1039Ser; replaces arginine 1039 with serine.
Molecular consequence: missense variant. On other transcripts: intron variant (58).
Genome position (GRCh38, 1-based): chr6:72,264,975, A>T. VCF-style: chr6-72264975-A-T. GRCh37 (hg19) VCF-style: chr6-72974678-A-T.
Other names: c.1536A>T, p.Arg512Ser (NM_001350418.2, NM_001350434.2, NM_001350436.2); c.1539A>T, p.Arg513Ser (NM_001350458.2); c.1494A>T, p.Arg498Ser (NM_001350470.2); c.1470-985A>T (NM_001350428.2, NM_001350459.2, NM_001350424.2 and 1 more transcripts); c.1467-985A>T (NM_001350437.2, NM_001350430.2, NM_001350421.2 and 1 more transcripts); c.1539-985A>T (NM_001350433.2, NM_001350446.2, NM_001350442.2 and 8 more transcripts); c.1538+4208A>T (NM_001350431.2); c.1476-985A>T (NM_001350457.2); and 13 more; short protein forms R513S, R1039S, R498S, R512S.
Identifiers: ClinVar variation 3651404 (VCV003651404.2).

ClinVar aggregate classification (germline): Uncertain significance (1 of 4 stars; one submission).

Submission:

Labcorp Genetics (formerly Invitae), Labcorp
Classification: Uncertain significance. Last evaluated: 2024-04-27. Review status: criteria provided, single submitter. Criteria: Invitae Variant Classification Sherloc (09022015). Collection method: clinical testing. Allele origin: germline.
Comment: This sequence change replaces arginine, which is basic and polar, with serine, which is neutral and polar, at codon 1039 of the RIMS1 protein (p.Arg1039Ser). This variant is not present in population databases (gnomAD no frequency). This variant has not been reported in the literature in individuals affected with RIMS1-related conditions. An algorithm developed to predict the effect of missense changes on protein structure and function (PolyPhen-2) suggests that this variant is likely to be tolerated. In summary, the available evidence is currently insufficient to determine the role of this variant in disease. Therefore, it has been classified as a Variant of Uncertain Significance.